The following is an entry in ClinVar:

ClinVar aggregate classification (germline): Uncertain significance (1 of 4 stars; one submission).

Conditions:
Muscle AMP deaminase deficiency (MMDD). Also called: Myoadenylate deaminase deficiency, myopathy due to; Adenosine monophosphate deaminase 1 deficiency; AMP deaminase 1 deficiency; Adenosine Monophosphate Deaminase 1; AMPD1 DEFICIENCY; ADENOSINE MONOPHOSPHATE DEAMINASE-1 DEFICIENCY, MYOPATHY DUE TO. Identifiers: Orphanet 45, MedGen C3714933, MONDO:0014220, OMIM 615511.

Allele frequency attached by ClinVar (database versions not stated): gnomAD exomes 0.00001; TOPMed 0.00002; gnomAD 0.00003.

Submission:

Labcorp Genetics (formerly Invitae), Labcorp
Classification: Uncertain significance for Muscle AMP deaminase deficiency. Last evaluated: 2024-01-08. Review status: criteria provided, single submitter. Criteria: Invitae Variant Classification Sherloc (09022015). Collection method: clinical testing. Allele origin: germline.
Comment: This sequence change replaces lysine, which is basic and polar, with asparagine, which is neutral and polar, at codon 128 of the AMPD1 protein (p.Lys128Asn). This variant is present in population databases (no rsID available, gnomAD 0.007%). This variant has not been reported in the literature in individuals affected with AMPD1-related conditions. ClinVar contains an entry for this variant (Variation ID: 1971614). An algorithm developed to predict the effect of missense changes on protein structure and function (PolyPhen-2) suggests that this variant¬†is likely to be tolerated. In summary, the available evidence is currently insufficient to determine the role of this variant in disease. Therefore, it has been classified as a Variant of Uncertain Significance.

NM_000036.3(AMPD1):c.285A>C (p.Lys95Asn)

Gene: AMPD1 (adenosine monophosphate deaminase 1; minus strand). Cytogenetic location: 1p13.2.
Variant type: single nucleotide variant.
Coding change: c.285A>C on transcript NM_000036.3 (MANE Select); coding-DNA position 285, A replaced by C.
Protein change: p.Lys95Asn; replaces lysine 95 with asparagine.
Molecular consequence: missense variant.
Genome position (GRCh38, 1-based): chr1:114,686,841, T>G on the plus strand (A>C on the coding strand, the complement: AMPD1 is on the minus strand). VCF-style: chr1-114686841-T-G. GRCh37 (hg19) VCF-style: chr1-115229462-T-G.
Other names: c.273A>C, p.Lys91Asn (NM_001172626.2); short protein forms K91N, K95N.
Identifiers: ClinVar variation 1971614 (VCV001971614.3), dbSNP rs1295950506, ClinGen allele CA341753510.
Genomic context (GRCh38, chr1:114,686,841, plus strand): 5'-AAAATCAGGCACGGTCTGGTAGGTTGGAGATGAGGAAATGTATTCATCAATGTGGGACAG[T>G]TTGGTGGAAGATGTTTCACTTAGTGGAATGGACAAATTAACAGTCTTCCGTCCTTGGAAA-3'
Protein context (NP_000027.3, residues 85-105): SIPLSETSST[Lys95Asn]LSHIDEYISS